The following is an entry in ClinVar:

ClinVar aggregate classification (germline): Uncertain significance (1 of 4 stars; one submission).

Conditions:
Regional enteritis. Also called: Enteritis, Granulomatous. Identifiers: MedGen C0678202, MeSH D003424.
Blau syndrome (BLAUS). Also called: ARTHROCUTANEOUVEAL GRANULOMATOSIS; GRANULOMATOSIS, FAMILIAL JUVENILE SYSTEMIC; GRANULOMATOSIS, FAMILIAL, BLAU TYPE; GRANULOMATOUS INFLAMMATORY ARTHRITIS, DERMATITIS, AND UVEITIS, FAMILIAL; JABS SYNDROME. Identifiers: Orphanet 90340, MedGen C5201146, MONDO:0008523, OMIM 186580.

Allele frequency attached by ClinVar (database versions not stated): gnomAD 0.00001.
gnomAD v4.1: 8 of 1,612,812 alleles (0.0005%); highest among the groups gnomAD compares: Middle Eastern, 0.019%; no homozygotes.

Submission:

Labcorp Genetics (formerly Invitae), Labcorp
Classification: Uncertain significance for Regional enteritis; Blau syndrome. Last evaluated: 2022-04-15. Review status: criteria provided, single submitter. Criteria: Invitae Variant Classification Sherloc (09022015). Collection method: clinical testing. Allele origin: germline.
Comment: This sequence change affects an acceptor splice site in intron 1 of the NOD2 gene. It is expected to disrupt RNA splicing. Variants that disrupt the donor or acceptor splice site typically lead to a loss of protein function (PMID: 16199547), however the current clinical and genetic evidence is not sufficient to establish whether loss-of-function variants in NOD2 cause disease. This variant is present in population databases (no rsID available, gnomAD 0.0009%). This variant has not been reported in the literature in individuals affected with NOD2-related conditions. Algorithms developed to predict the effect of sequence changes on RNA splicing suggest that this variant may disrupt the consensus splice site. In summary, the available evidence is currently insufficient to determine the role of this variant in disease. Therefore, it has been classified as a Variant of Uncertain Significance.

Literature cited by the submitters: PubMed 16199547.

NM_001370466.1(NOD2):c.-8-1G>C

Gene: NOD2 (nucleotide binding oligomerization domain containing 2; plus strand). Cytogenetic location: 16q12.1.
Variant type: single nucleotide variant.
Coding change: c.-8-1G>C on transcript NM_001370466.1 (MANE Select); the canonical splice acceptor site of the intron before 8 bases upstream of the start codon, G replaced by C.
Molecular consequence: splice acceptor variant. On other transcripts: 5 prime UTR variant (1).
Genome position (GRCh38, 1-based): chr16:50,699,487, G>C. VCF-style: chr16-50699487-G-C. GRCh37 (hg19) VCF-style: chr16-50733398-G-C.
Other names: c.-9G>C (NM_001293557.2); c.74-1G>C (NM_022162.3).
Identifiers: ClinVar variation 2067969 (VCV002067969.4), dbSNP rs1427710960, ClinGen allele CA395865141.